The following is an entry in ClinVar:

ClinVar aggregate classification (germline): Uncertain significance. Review status: criteria provided, multiple submitters, no conflicts (2 of 4 stars). 3 submissions from 3 submitters: Uncertain significance (3). Last evaluated 2025-05-19.

Conditions:
Inborn genetic diseases. Identifiers: MedGen C0950123, MeSH D030342.
Mucopolysaccharidosis type 7 (MPS7). Also called: BETA-GLUCURONIDASE DEFICIENCY; GUSB DEFICIENCY; SLY SYNDROME; MPS VII. Identifiers: Orphanet 584, MedGen C0085132, MONDO:0009662, OMIM 253220.

Allele frequency attached by ClinVar (database versions not stated): gnomAD exomes 0.00002 and 0.00004; gnomAD 0.00003; ExAC 0.00004.
gnomAD v4.1: 38 of 1,610,816 alleles (0.0024%); highest among the groups gnomAD compares: Admixed American, 0.0067%; no homozygotes.

Submissions (3):

Ambry Genetics
Classification: Uncertain significance for Inborn genetic diseases. Last evaluated: 2025-05-19. Review status: criteria provided, single submitter. Criteria: Ambry Variant Classification Scheme 2023. Collection method: clinical testing. Allele origin: germline.

Labcorp Genetics (formerly Invitae), Labcorp
Classification: Uncertain significance for Mucopolysaccharidosis type 7. Last evaluated: 2022-06-14. Review status: criteria provided, single submitter. Criteria: Invitae Variant Classification Sherloc (09022015). Collection method: clinical testing. Allele origin: germline.
Comment: This sequence change replaces threonine, which is neutral and polar, with methionine, which is neutral and non-polar, at codon 599 of the GUSB protein (p.Thr599Met). This variant is present in population databases (rs765983374, gnomAD 0.01%). This variant has not been reported in the literature in individuals affected with GUSB-related conditions. Algorithms developed to predict the effect of missense changes on protein structure and function output the following: SIFT: "Tolerated"; PolyPhen-2: "Benign"; Align-GVGD: "Class C0". The methionine amino acid residue is found in multiple mammalian species, which suggests that this missense change does not adversely affect protein function. In summary, the available evidence is currently insufficient to determine the role of this variant in disease. Therefore, it has been classified as a Variant of Uncertain Significance.

Fulgent Genetics
Classification: Uncertain significance for Mucopolysaccharidosis type 7. Last evaluated: 2021-09-16. Review status: criteria provided, single submitter. Criteria: ACMG Guidelines, 2015. Collection method: clinical testing. Allele origin: unknown.

NM_000181.4(GUSB):c.1796C>T (p.Thr599Met)

Gene: GUSB (glucuronidase beta; minus strand). Cytogenetic location: 7q11.21.
Variant type: single nucleotide variant.
Coding change: c.1796C>T on transcript NM_000181.4 (MANE Select); coding-DNA position 1796, C replaced by T.
Protein change: p.Thr599Met; replaces threonine 599 with methionine.
Molecular consequence: missense variant. On other transcripts: non-coding transcript variant (1).
Genome position (GRCh38, 1-based): chr7:65,961,057, G>A on the plus strand (C>T on the coding strand, the complement: GUSB is on the minus strand). VCF-style: chr7-65961057-G-A. GRCh37 (hg19) VCF-style: chr7-65426044-G-A.
Other names: c.1796C>T (NM_000181.3); c.1358C>T, p.Thr453Met (NM_001284290.2); c.1226C>T, p.Thr409Met (NM_001293104.2); c.1139C>T, p.Thr380Met (NM_001293105.2); short protein forms T453M, T380M, T409M, T599M.
Identifiers: ClinVar variation 1493261 (VCV001493261.9), dbSNP rs765983374, ClinGen allele CA4276159.